The following is an entry in ClinVar:

ClinVar aggregate classification (germline): Likely benign. Review status: criteria provided, multiple submitters, no conflicts (2 of 4 stars). 3 submissions from 3 submitters: Likely benign (2). 1 of the submissions does not count toward it. Last evaluated 2025-11-03.

Conditions:
CARMIL2-related disorder. Also called: CARMIL2-related condition.

Allele frequency attached by ClinVar (database versions not stated): gnomAD 0.00011; gnomAD exomes 0.00011; ExAC 0.00032; 1000 Genomes Project 30x 0.00047; 1000 Genomes Project 0.00060.
gnomAD v4.1: 179 of 1,611,404 alleles (0.011%); highest among the groups gnomAD compares: South Asian, 0.18%; 1 homozygote.

Submissions (3):

Labcorp Genetics (formerly Invitae), Labcorp
Classification: Likely benign. Last evaluated: 2025-11-03. Review status: criteria provided, single submitter. Criteria: Invitae Variant Classification Sherloc (09022015). Collection method: clinical testing. Allele origin: germline.

Blueprint Genetics
Classification: Likely benign. Last evaluated: 2024-09-23. Review status: criteria provided, single submitter. Criteria: ACMG Guidelines, 2015. Collection method: clinical testing. Allele origin: germline.

PreventionGenetics, part of Exact Sciences
Classification: Likely benign for CARMIL2-related condition. Last evaluated: 2019-07-31. Review status: no assertion criteria provided. Collection method: clinical testing. Allele origin: germline. Not counted in ClinVar's aggregate classification.
Comment: This variant is classified as likely benign based on ACMG/AMP sequence variant interpretation guidelines (Richards et al. 2015 PMID: 25741868, with internal and published modifications).

NM_001013838.3(CARMIL2):c.4248C>T (p.Ser1416=)

Gene: CARMIL2 (capping protein regulator and myosin 1 linker 2; plus strand). Cytogenetic location: 16q22.1.
Variant type: single nucleotide variant.
Coding change: c.4248C>T on transcript NM_001013838.3 (MANE Select); coding-DNA position 4248, C replaced by T.
Protein change: p.Ser1416=; no amino-acid change (serine 1416 retained).
Molecular consequence: synonymous variant.
Genome position (GRCh38, 1-based): chr16:67,657,458, C>T. VCF-style: chr16-67657458-C-T. GRCh37 (hg19) VCF-style: chr16-67691361-C-T.
Other names: c.4059C>T, p.Ser1353= (NM_001317026.3); c.4248C>T (NM_001013838.1).
Identifiers: ClinVar variation 2143789 (VCV002143789.7), dbSNP rs538883123, ClinGen allele CA8114309.